The following is an entry in ClinVar:

ClinVar aggregate classification (germline): Uncertain significance. Review status: criteria provided, multiple submitters, no conflicts (2 of 4 stars). 5 submissions from 5 submitters: Uncertain significance (5). Last evaluated 2024-11-08.

Conditions:
Proteinuria, chronic benign. Identifiers: MedGen C5394384, MONDO:0030042, OMIM 618884.
Imerslund-Grasbeck syndrome type 1 (IGS1). Also called: MEGALOBLASTIC ANEMIA, 1; Imerslund-Gräsbeck syndrome 1; Megaloblastic anemia 1, Finnish type. Identifiers: MedGen C4016819, MONDO:0100156, OMIM 261100.
Imerslund-Grasbeck syndrome. Also called: ENTEROCYTE COBALAMIN MALABSORPTION; ENTEROCYTE INTRINSIC FACTOR RECEPTOR, DEFECT OF; Megaloblastic anemia due to inborn errors of metabolism; Imerslund-Gräsbeck syndrome; PERNICIOUS ANEMIA, JUVENILE, DUE TO SELECTIVE INTESTINAL MALABSORPTION OF VITAMIN B12, WITH PROTEINURIA. Identifiers: Orphanet 35858, MedGen C4551825, MONDO:0009853.

Allele frequency attached by ClinVar (database versions not stated): gnomAD 0.00018 and 0.00019; TOPMed 0.00018; ESP Exome Variant Server 0.00031.
gnomAD v4.1: 509 of 1,613,754 alleles (0.032%); highest among the groups gnomAD compares: Non-Finnish European, 0.04%; no homozygotes.

Submissions (5):

Blueprint Genetics
Classification: Uncertain significance. Last evaluated: 2024-11-08. Review status: criteria provided, single submitter. Criteria: ACMG Guidelines, 2015. Collection method: clinical testing. Allele origin: germline.

Labcorp Genetics (formerly Invitae), Labcorp
Classification: Uncertain significance for Imerslund-Grasbeck syndrome. Last evaluated: 2023-11-13. Review status: criteria provided, single submitter. Criteria: Invitae Variant Classification Sherloc (09022015). Collection method: clinical testing. Allele origin: germline.
Comment: This sequence change replaces aspartic acid, which is acidic and polar, with glycine, which is neutral and non-polar, at codon 2160 of the CUBN protein (p.Asp2160Gly). This variant is present in population databases (rs144704318, gnomAD 0.05%). This variant has not been reported in the literature in individuals affected with CUBN-related conditions. ClinVar contains an entry for this variant (Variation ID: 439585). Advanced modeling of protein sequence and biophysical properties (such as structural, functional, and spatial information, amino acid conservation, physicochemical variation, residue mobility, and thermodynamic stability) has been performed at Invitae for this missense variant, however the output from this modeling did not meet the statistical confidence thresholds required to predict the impact of this variant on CUBN protein function. In summary, the available evidence is currently insufficient to determine the role of this variant in disease. Therefore, it has been classified as a Variant of Uncertain Significance.

Fulgent Genetics
Classification: Uncertain significance for Imerslund-Grasbeck syndrome type 1; Proteinuria, chronic benign. Last evaluated: 2022-05-16. Review status: criteria provided, single submitter. Criteria: ACMG Guidelines, 2015. Collection method: clinical testing. Allele origin: unknown.

Institute for Clinical Genetics, University Hospital TU Dresden, University Hospital TU Dresden
Classification: Uncertain significance. Last evaluated: 2021-11-03. Review status: criteria provided, single submitter. Criteria: ACMG Guidelines, 2015. Collection method: clinical testing. Allele origin: germline.

ARUP Laboratories, Molecular Genetics and Genomics, ARUP Laboratories
Classification: Uncertain significance. Last evaluated: 2016-12-06. Review status: criteria provided, single submitter. Criteria: ARUP Molecular Germline Variant Investigation Process. Collection method: clinical testing. Allele origin: germline.

NM_001081.4(CUBN):c.6479A>G (p.Asp2160Gly)

Gene: CUBN (cubilin; minus strand). Cytogenetic location: 10p13.
Variant type: single nucleotide variant.
Coding change: c.6479A>G on transcript NM_001081.4 (MANE Select); coding-DNA position 6479, A replaced by G.
Protein change: p.Asp2160Gly; replaces aspartic acid 2160 with glycine.
Molecular consequence: missense variant.
Genome position (GRCh38, 1-based): chr10:16,925,408, T>C on the plus strand (A>G on the coding strand, the complement: CUBN is on the minus strand). VCF-style: chr10-16925408-T-C. GRCh37 (hg19) VCF-style: chr10-16967407-T-C.
Other names: short protein forms D2160G.
Identifiers: ClinVar variation 439585 (VCV000439585.22), dbSNP rs144704318, ClinGen allele CA5423656.
Genomic context (GRCh38, chr10:16,925,408, plus strand): 5'-GCATGACTGCCACAAAAATGACCATTTCCTCCAGGGGGTCCCAAGGGTGGAGAACAGATA[T>C]CAGGACCATTTCTTAGCTGGAAAGACAAATTAAAATTTCATCAACTCCTTTACATTGCAA-3'
Protein context (NP_001072.2, residues 2150-2170): GDYLVLRNGP[Asp2160Gly]ICSPPLGPPG